The following is an entry in ClinVar:

ClinVar aggregate classification (germline): Pathogenic (1 of 4 stars; one submission).

Submission:

Labcorp Genetics (formerly Invitae), Labcorp
Classification: Pathogenic. Last evaluated: 2023-04-10. Review status: criteria provided, single submitter. Criteria: Invitae Variant Classification Sherloc (09022015). Collection method: clinical testing. Allele origin: germline.
Comment: This sequence change creates a premature translational stop signal (p.Thr127Asnfs*26) in the NFKB1 gene. It is expected to result in an absent or disrupted protein product. Loss-of-function variants in NFKB1 are known to be pathogenic (PMID: 26279205, 29477724). This variant is not present in population databases (gnomAD no frequency). This variant has not been reported in the literature in individuals affected with NFKB1-related conditions. For these reasons, this variant has been classified as Pathogenic.

Literature cited by the submitters: PubMed 26279205; PubMed 29477724.

NM_003998.4(NFKB1):c.377dup (p.Thr127fs)

Gene: NFKB1 (nuclear factor kappa B subunit 1; plus strand). Cytogenetic location: 4q24.
Variant type: Duplication.
Coding change: c.377dup on transcript NM_003998.4 (MANE Select); coding-DNA position 377, one base duplicated (T; older notation c.377dupT).
Protein change: p.Thr127fs; shifts the reading frame from threonine 127.
Molecular consequence: frameshift variant.
Genome position (GRCh38, 1-based): chr4:102,567,105, T duplicated. VCF-style (leftmost placement, unchanged base first): chr4-102567104-G-GT. GRCh37 (hg19) VCF-style: chr4-103488261-G-GT.
Other names: c.374dup, p.Thr126fs (NM_001165412.2, NM_001319226.2, NM_001382627.1); c.377dup, p.Thr127fs (NM_001382625.1, NM_001382626.1); c.335dup, p.Thr113fs (NM_001382628.1); short protein forms T127fs, T113fs, T126fs.
Identifiers: ClinVar variation 2841325 (VCV002841325.3), dbSNP rs2476351129, ClinGen allele CA2739270190.